The following is an entry in ClinVar:

NM_152443.3(RDH12):c.775C>T (p.Arg259Trp)

Genes: GPHN (gephyrin; plus strand), RDH12 (retinol dehydrogenase 12; plus strand), ZFYVE26 (zinc finger FYVE-type containing 26; minus strand). Cytogenetic location: 14q24.1.
Variant type: single nucleotide variant.
Coding change: c.775C>T on transcript NM_152443.3 (MANE Select); coding-DNA position 775, C replaced by T.
Protein change: p.Arg259Trp; replaces arginine 259 with tryptophan.
Molecular consequence: missense variant.
Genome position (GRCh38, 1-based): chr14:67,729,307, C>T. VCF-style: chr14-67729307-C-T. GRCh37 (hg19) VCF-style: chr14-68196024-C-T.
Other names: short protein forms R259W.
Identifiers: ClinVar variation 3623939 (VCV003623939.2).

ClinVar aggregate classification (germline): Uncertain significance (1 of 4 stars; one submission).

Conditions:
Leber congenital amaurosis 13 (LCA13). Identifiers: MedGen C2675186, MONDO:0012990, OMIM 612712.

gnomAD v4.1: 1 of 1,601,304 alleles (0.000062%); highest among the groups gnomAD compares: South Asian, 0.0011%; no homozygotes.

Submission:

Labcorp Genetics (formerly Invitae), Labcorp
Classification: Uncertain significance for Leber congenital amaurosis 13. Last evaluated: 2024-06-24. Review status: criteria provided, single submitter. Criteria: Invitae Variant Classification Sherloc (09022015). Collection method: clinical testing. Allele origin: germline.
Comment: This sequence change replaces arginine, which is basic and polar, with tryptophan, which is neutral and slightly polar, at codon 259 of the RDH12 protein (p.Arg259Trp). This variant is not present in population databases (gnomAD no frequency). This variant has not been reported in the literature in individuals affected with RDH12-related conditions. Advanced modeling of protein sequence and biophysical properties (such as structural, functional, and spatial information, amino acid conservation, physicochemical variation, residue mobility, and thermodynamic stability) performed at Invitae indicates that this missense variant is not expected to disrupt RDH12 protein function with a negative predictive value of 80%. In summary, the available evidence is currently insufficient to determine the role of this variant in disease. Therefore, it has been classified as a Variant of Uncertain Significance.